The following is an entry in ClinVar:

NM_017882.3(CLN6):c.219G>A (p.Trp73Ter)

Gene: CLN6 (CLN6 transmembrane ER protein; minus strand). Cytogenetic location: 15q23.
Variant type: single nucleotide variant.
Coding change: c.219G>A on transcript NM_017882.3 (MANE Select); coding-DNA position 219, G replaced by A.
Protein change: p.Trp73Ter; replaces tryptophan 73 with a stop codon.
Molecular consequence: nonsense.
Genome position (GRCh38, 1-based): chr15:68,214,368, C>T on the plus strand (G>A on the coding strand, the complement: CLN6 is on the minus strand). VCF-style: chr15-68214368-C-T. GRCh37 (hg19) VCF-style: chr15-68506706-C-T.
Other names: c.315G>A, p.Trp105Ter (NM_001411068.1); short protein forms W105*, W73*.
Identifiers: ClinVar variation 2087279 (VCV002087279.4), dbSNP rs2505414959, ClinGen allele CA392974477.
Genomic context (GRCh38, chr15:68,214,368, plus strand): 5'-CGTGATGACGTTGTAGGCCATGTGGAAGTAGTCCCCAACACTGGGCTTGTTGAGTGGAAA[C>T]CACTCGAGAGGGAATACCAGCTGCGGAGCAAATGGAAGAATGGGCTCACCTGGGCACAGC-3'

ClinVar aggregate classification (germline): Pathogenic (1 of 4 stars; one submission).

Conditions:
Neuronal ceroid lipofuscinosis. Also called: Neuronal Ceroid Lipofuscinoses. Identifiers: Orphanet 216, Orphanet 79263, MedGen C0027877, MONDO:0016295. Disease mechanism: loss of function.

Allele frequency attached by ClinVar (database versions not stated): gnomAD exomes below 0.00001.
gnomAD v4.1: 1 of 1,613,920 alleles (0.000062%); highest among the groups gnomAD compares: Non-Finnish European, 0.000085%; no homozygotes.

Submission:

Labcorp Genetics (formerly Invitae), Labcorp
Classification: Pathogenic for Neuronal ceroid lipofuscinosis. Last evaluated: 2022-07-26. Review status: criteria provided, single submitter. Criteria: Invitae Variant Classification Sherloc (09022015). Collection method: clinical testing. Allele origin: germline.
Comment: For these reasons, this variant has been classified as Pathogenic. This variant has not been reported in the literature in individuals affected with CLN6-related conditions. This variant is not present in population databases (gnomAD no frequency). This sequence change creates a premature translational stop signal (p.Trp73*) in the CLN6 gene. It is expected to result in an absent or disrupted protein product. Loss-of-function variants in CLN6 are known to be pathogenic (PMID: 19135028).

Literature cited by the submitters: PubMed 19135028.